The following is an entry in ClinVar:

NM_000088.4(COL1A1):c.1207C>G (p.Pro403Ala)

Gene: COL1A1 (collagen type I alpha 1 chain; minus strand). Cytogenetic location: 17q21.33.
Variant type: single nucleotide variant.
Coding change: c.1207C>G on transcript NM_000088.4 (MANE Select); coding-DNA position 1207, C replaced by G.
Protein change: p.Pro403Ala; replaces proline 403 with alanine.
Molecular consequence: missense variant.
Genome position (GRCh38, 1-based): chr17:50,195,324, G>C on the plus strand (C>G on the coding strand, the complement: COL1A1 is on the minus strand). VCF-style: chr17-50195324-G-C. GRCh37 (hg19) VCF-style: chr17-48272685-G-C.
Other names: c.1207C>G (NM_000088.3); short protein forms P403A.
Identifiers: ClinVar variation 1495157 (VCV001495157.9), dbSNP rs762809403, ClinGen allele CA8645345.

ClinVar aggregate classification (germline): Conflicting classifications of pathogenicity. Review status: criteria provided, conflicting classifications (1 of 4 stars). 4 submissions from 4 submitters: Uncertain significance (3); Likely benign (1). Last evaluated 2026-06-15.

Conditions:
Osteogenesis imperfecta type I (OI1). Also called: Lobstein disease; OI, TYPE I; OSTEOGENESIS IMPERFECTA TARDA; OSTEOGENESIS IMPERFECTA WITH BLUE SCLERAE; Osteogenesis imperfecta type 1; Lobstein's Disease. Identifiers: Orphanet 216796, Orphanet 666, MedGen C0023931, MONDO:0008146, OMIM 166200. Disease mechanism: loss of function.
Cardiovascular phenotype. Identifiers: MedGen CN230736.

Allele frequency attached by ClinVar (database versions not stated): gnomAD 0.00001; ExAC 0.00002; gnomAD exomes 0.00004 and 0.00002; TOPMed 0.00002.
gnomAD v4.1: 64 of 1,613,774 alleles (0.004%); highest among the groups gnomAD compares: Non-Finnish European, 0.0053%; no homozygotes.

Submissions (4):

Women's Health and Genetics/Laboratory Corporation of America, LabCorp
Classification: Uncertain significance. Last evaluated: 2026-06-15. Review status: criteria provided, single submitter. Criteria: LabCorp Variant Classification Summary - May 2015. Collection method: clinical testing. Allele origin: germline.

Labcorp Genetics (formerly Invitae), Labcorp
Classification: Likely benign for Osteogenesis imperfecta type I. Last evaluated: 2025-08-26. Review status: criteria provided, single submitter. Criteria: Invitae Variant Classification Sherloc (09022015). Collection method: clinical testing. Allele origin: germline.

Ambry Genetics
Classification: Uncertain significance for Cardiovascular phenotype. Last evaluated: 2024-11-09. Review status: criteria provided, single submitter. Criteria: Ambry Variant Classification Scheme 2023. Collection method: clinical testing. Allele origin: germline.
Comment: The p.P403A variant (also known as c.1207C>G), located in coding exon 19 of the COL1A1 gene, results from a C to G substitution at nucleotide position 1207. The proline at codon 403 is replaced by alanine, an amino acid with highly similar properties. This amino acid position is well conserved in available vertebrate species. In addition, the in silico prediction for this alteration is inconclusive. Based on the available evidence, the clinical significance of this variant remains unclear.

ARUP Laboratories, Molecular Genetics and Genomics, ARUP Laboratories
Classification: Uncertain significance. Last evaluated: 2023-02-15. Review status: criteria provided, single submitter. Criteria: ARUP Molecular Germline Variant Investigation Process 2024. Collection method: clinical testing. Allele origin: germline.
Comment: The COL1A1 c.1207C>G; p.Pro403Ala variant (rs762809403), to our knowledge, is not reported in the medical literature but is reported in ClinVar (Variation ID: 1495157). This variant is observed in the general population with an overall allele frequency of 0.002% (4/251026 alleles) in the Genome Aggregation Database. Computational analyses are uncertain whether this variant is neutral or deleterious (REVEL: 0.41). Due to limited information, the clinical significance of this variant is uncertain at this time.